The following is an entry in ClinVar:

NM_000492.4(CFTR):c.4184G>T (p.Cys1395Phe)

Gene: CFTR (CF transmembrane conductance regulator; plus strand). Cytogenetic location: 7q31.2.
Variant type: single nucleotide variant.
Coding change: c.4184G>T on transcript NM_000492.4 (MANE Select); coding-DNA position 4184, G replaced by T.
Protein change: p.Cys1395Phe; replaces cysteine 1395 with phenylalanine.
Molecular consequence: missense variant.
Genome position (GRCh38, 1-based): chr7:117,665,506, G>T. VCF-style: chr7-117665506-G-T. GRCh37 (hg19) VCF-style: chr7-117305560-G-T.
Other names: short protein forms C1395F.
Identifiers: ClinVar variation 495945 (VCV000495945.10), dbSNP rs1330281974, ClinGen allele CA368983563.

ClinVar aggregate classification (germline): Uncertain significance. Review status: criteria provided, multiple submitters, no conflicts (2 of 4 stars). 4 submissions from 4 submitters: Uncertain significance (3). 1 of the submissions does not count toward it. Last evaluated 2025-09-13.

Conditions:
Cystic fibrosis (CF). Also called: MUCOVISCIDOSIS. Identifiers: Orphanet 586, MedGen C0010674, MONDO:0009061, OMIM 219700. Disease mechanism: loss of function.

Allele frequency attached by ClinVar (database versions not stated): gnomAD exomes 0.00003 and 0.00002; TOPMed 0.00009; gnomAD 0.00013.
gnomAD v4.1: 28 of 1,613,226 alleles (0.0017%); highest among the groups gnomAD compares: Admixed American, 0.042%; no homozygotes.

Submissions (4):

Ambry Genetics
Classification: Uncertain significance for Cystic fibrosis. Last evaluated: 2025-09-13. Review status: criteria provided, single submitter. Criteria: Ambry Variant Classification Scheme 2023. Collection method: clinical testing. Allele origin: germline.
Comment: The p.C1395F variant (also known as c.4184G>T), located in coding exon 26 of the CFTR gene, results from a G to T substitution at nucleotide position 4184. The cysteine at codon 1395 is replaced by phenylalanine, an amino acid with highly dissimilar properties. This amino acid position is conserved. In addition, this alteration is predicted to be deleterious by in silico analysis. Since supporting evidence is limited at this time, the clinical significance of this alteration remains unclear.

Labcorp Genetics (formerly Invitae), Labcorp
Classification: Uncertain significance for Cystic fibrosis. Last evaluated: 2021-09-01. Review status: criteria provided, single submitter. Criteria: Invitae Variant Classification Sherloc (09022015). Collection method: clinical testing. Allele origin: germline.
Comment: This sequence change replaces cysteine with phenylalanine at codon 1395 of the CFTR protein (p.Cys1395Phe). The cysteine residue is highly conserved and there is a large physicochemical difference between cysteine and phenylalanine. This variant is not present in population databases (ExAC no frequency). This variant has not been reported in the literature in individuals affected with CFTR-related conditions. ClinVar contains an entry for this variant (Variation ID: 495945). Algorithms developed to predict the effect of missense changes on protein structure and function are either unavailable or do not agree on the potential impact of this missense change (SIFT: "Deleterious"; PolyPhen-2: "Probably Damaging"; Align-GVGD: "Class C0"). In summary, the available evidence is currently insufficient to determine the role of this variant in disease. Therefore, it has been classified as a Variant of Uncertain Significance.

Women's Health and Genetics/Laboratory Corporation of America, LabCorp
Classification: Uncertain significance. Last evaluated: 2016-04-06. Review status: criteria provided, single submitter. Criteria: LabCorp Variant Classification Summary - May 2015. Collection method: clinical testing. Allele origin: germline.
Comment: Variant summary: The CFTR c.4184G>T variant affects a conserved nucleotide, resulting in amino acid change from a highly conserved Cys residue at codon 1395 to Phe. 5/5 in-silico tools predict damaging outcome for this variant. This variant was not found in 120736 control chromosomes. The variant of interest has not, to our knowledge, been reported in affected individuals via publications and/or reputable databases/clinical laboratories; nor evaluated for functional impact by in vivo/vitro studies. Because of the absence of clinical information and the lack of functional studies, the variant was classified as a variant of uncertain significance (VUS) until additional information becomes available.

Natera, Inc.
Classification: Uncertain significance for Cystic Fibrosis. Last evaluated: 2020-09-16. Review status: no assertion criteria provided. Collection method: clinical testing. Allele origin: germline. Not counted in ClinVar's aggregate classification.